The following is an entry in ClinVar:

NM_006019.4(TCIRG1):c.1887+3G>A

Gene: TCIRG1 (T cell immune regulator 1, ATPase H+ transporting V0 subunit a3; plus strand). Cytogenetic location: 11q13.2.
Variant type: single nucleotide variant.
Coding change: c.1887+3G>A on transcript NM_006019.4 (MANE Select); 3 bases into the intron after coding-DNA position 1887, G replaced by A.
Molecular consequence: intron variant.
Genome position (GRCh38, 1-based): chr11:68,049,297, G>A. VCF-style: chr11-68049297-G-A. GRCh37 (hg19) VCF-style: chr11-67816764-G-A.
Other names: c.993+3G>A (NM_001351059.2); c.1239+3G>A (NM_006053.4).
Identifiers: ClinVar variation 2628867 (VCV002628867.1), dbSNP rs2495659794, ClinGen allele CA2614702590.

ClinVar aggregate classification (germline): Uncertain significance (1 of 4 stars; one submission).

Conditions:
TCIRG1-related disorder. Also called: TCIRG1-related condition.

Submission:

PreventionGenetics, part of Exact Sciences
Classification: Uncertain significance for TCIRG1-related condition. Last evaluated: 2022-11-15. Review status: criteria provided, single submitter. Criteria: ACMG Guidelines, 2015. Collection method: clinical testing. Allele origin: germline.
Comment: The TCIRG1 c.1887+3G>A variant is predicted to interfere with splicing. To our knowledge, this variant has not been reported in the literature or in a large population database, indicating this variant is rare. At this time, the clinical significance of this variant is uncertain due to the absence of conclusive functional and genetic evidence.